The following is an entry in ClinVar:

ClinVar aggregate classification (germline): Conflicting classifications of pathogenicity. Review status: criteria provided, conflicting classifications (1 of 4 stars). 3 submissions from 3 submitters: Uncertain significance (2); Likely benign (1). Last evaluated 2025-04-18.

Conditions:
Intellectual disability, autosomal dominant 16 (CSS4). Also called: COFFIN-SIRIS SYNDROME 4. Identifiers: Orphanet 1465, MedGen C3553249, MONDO:0013821, OMIM 614609.
Hereditary cancer-predisposing syndrome. Also called: Hereditary neoplastic syndrome; Neoplastic Syndromes, Hereditary; Tumor predisposition; Hereditary Cancer Syndrome. Identifiers: Orphanet 140162, MedGen C0027672, MeSH D009386, MONDO:0015356.
Rhabdoid tumor predisposition syndrome 2 (RTPS2). Identifiers: Orphanet 231108, Orphanet 69077, MedGen C2750074, MONDO:0013224, OMIM 613325.

Allele frequency attached by ClinVar (database versions not stated): gnomAD exomes below 0.00001; TOPMed below 0.00001.
gnomAD v4.1: 7 of 1,613,392 alleles (0.00043%); highest among the groups gnomAD compares: Non-Finnish European, 0.00042%; no homozygotes.

Submissions (3):

Labcorp Genetics (formerly Invitae), Labcorp
Classification: Uncertain significance for Rhabdoid tumor predisposition syndrome 2. Last evaluated: 2025-04-18. Review status: criteria provided, single submitter. Criteria: Invitae Variant Classification Sherloc (09022015). Collection method: clinical testing. Allele origin: germline.
Comment: This sequence change replaces valine, which is neutral and non-polar, with alanine, which is neutral and non-polar, at codon 684 of the SMARCA4 protein (p.Val684Ala). This variant is not present in population databases (gnomAD no frequency). This variant has not been reported in the literature in individuals affected with SMARCA4-related conditions. ClinVar contains an entry for this variant (Variation ID: 470277). An algorithm developed to predict the effect of missense changes on protein structure and function (PolyPhen-2) suggests that this variant is likely to be tolerated. In summary, the available evidence is currently insufficient to determine the role of this variant in disease. Therefore, it has been classified as a Variant of Uncertain Significance.

Ambry Genetics
Classification: Likely benign for Hereditary cancer-predisposing syndrome. Last evaluated: 2023-06-02. Review status: criteria provided, single submitter. Criteria: Ambry Variant Classification Scheme 2023. Collection method: clinical testing. Allele origin: germline.

Genome-Nilou Lab
Classification: Uncertain significance for Intellectual disability, autosomal dominant 16. Last evaluated: 2021-07-15. Review status: criteria provided, single submitter. Criteria: ACMG Guidelines, 2015. Collection method: clinical testing. Allele origin: germline. Affected: no.

NM_003072.5(SMARCA4):c.2051T>C (p.Val684Ala)

Gene: SMARCA4 (SWI/SNF related BAF chromatin remodeling complex subunit ATPase 4; plus strand). Cytogenetic location: 19p13.2.
Variant type: single nucleotide variant.
Coding change: c.2051T>C on transcript NM_003072.5 (MANE Select); coding-DNA position 2051, T replaced by C.
Protein change: p.Val684Ala; replaces valine 684 with alanine.
Molecular consequence: missense variant. On other transcripts: non-coding transcript variant (1).
Genome position (GRCh38, 1-based): chr19:11,007,951, T>C. VCF-style: chr19-11007951-T-C. GRCh37 (hg19) VCF-style: chr19-11118627-T-C.
Other names: c.2051T>C, p.Val684Ala (NM_001128844.3, NM_001128845.2, NM_001128846.2 and 5 more transcripts); short protein forms V684A.
Identifiers: ClinVar variation 470277 (VCV000470277.13), dbSNP rs979444190, ClinGen allele CA305261061.
Genomic context (GRCh38, chr19:11,007,951, plus strand): 5'-TCTCTTGGTAGGAGGAGGAGGAAGAGCAGCCGCAGGCAGCACAGCCTCCCACCCTGCCCG[T>C]GGAGGAGAAGAAGAAGATTCCAGATCCAGACAGCGATGACGTCTCTGAGGTGGACGCGCG-3'
Protein context (NP_003063.2, residues 674-694): PQAAQPPTLP[Val684Ala]EEKKKIPDPD